The following is an entry in ClinVar:

ClinVar aggregate classification (germline): Conflicting classifications of pathogenicity. Review status: criteria provided, conflicting classifications (1 of 4 stars). 2 submissions from 2 submitters: Uncertain significance (1); Likely benign (1). Last evaluated 2025-12-28.

Allele frequency attached by ClinVar (database versions not stated): ExAC 0.00036; gnomAD 0.00006; TOPMed 0.00014.

Submissions (2):

Labcorp Genetics (formerly Invitae), Labcorp
Classification: Likely benign. Last evaluated: 2025-12-28. Review status: criteria provided, single submitter. Criteria: Invitae Variant Classification Sherloc (09022015). Collection method: clinical testing. Allele origin: germline.

GeneDx
Classification: Uncertain significance. Last evaluated: 2025-10-27. Review status: criteria provided, single submitter. Criteria: GeneDx Variant Classification Process June 2021. Collection method: clinical testing. Allele origin: germline.
Comment: In silico analysis suggests that this missense variant does not alter protein structure/function; Has not been previously published as pathogenic or benign to our knowledge

NM_020117.11(LARS1):c.3205G>A (p.Val1069Ile)

Gene: LARS1 (leucyl-tRNA synthetase 1; minus strand). Cytogenetic location: 5q32.
Variant type: single nucleotide variant.
Coding change: c.3205G>A on transcript NM_020117.11 (MANE Select); coding-DNA position 3205, G replaced by A.
Protein change: p.Val1069Ile; replaces valine 1069 with isoleucine.
Molecular consequence: missense variant.
Genome position (GRCh38, 1-based): chr5:146,120,491, C>T on the plus strand (G>A on the coding strand, the complement: LARS1 is on the minus strand). VCF-style: chr5-146120491-C-T. GRCh37 (hg19) VCF-style: chr5-145500054-C-T.
Other names: c.3067G>A, p.Val1023Ile (NM_001317964.2); c.3043G>A, p.Val1015Ile (NM_001317965.2); c.3124G>A, p.Val1042Ile (NM_016460.4); short protein forms V1042I, V1023I, V1069I, V1015I.
Identifiers: ClinVar variation 733220 (VCV000733220.10), dbSNP rs777624825, ClinGen allele CA3489079.